The following continues an entry in ClinVar:

NM_000053.4(ATP7B):c.1708-1G>C

Gene: ATP7B. ClinVar aggregate classification (germline): Pathogenic. Pathogenic (16).

Submissions 10 to 20 of 20:

Myriad Genetics, Inc.
Classification: Pathogenic for Wilson disease. Last evaluated: 2022-01-04. Review status: criteria provided, single submitter. Criteria: Myriad Women's Health Autosomal Recessive and X-Linked Classification Criteria (2021). Collection method: clinical testing. Allele origin: unknown.
Comment: NM_000053.3(ATP7B):c.1708-1G>C is a canonical splice variant classified as pathogenic in the context of Wilson disease. c.1708-1G>C has been observed in cases with relevant disease (PMID: 24094725, 9829905). Functional assessments of this variant are available in the literature (PMID: 9829905). c.1708-1G>C has been observed in population frequency databases (gnomAD: EAS 0.02%). In summary, NM_000053.3(ATP7B):c.1708-1G>C is a canonical splice variant that has been observed more frequently in cases with the relevant disease than in healthy populations. Please note: this variant was assessed in the context of healthy population screening.

Fulgent Genetics
Classification: Pathogenic for Wilson disease. Last evaluated: 2021-12-29. Review status: criteria provided, single submitter. Criteria: ACMG Guidelines, 2015. Collection method: clinical testing. Allele origin: unknown.

Genetics and Genomic Medicine Centre, NeuroGen Healthcare, NeuroGen Healthcare
Classification: Pathogenic for Wilson disease. Last evaluated: 2021-12-15. Review status: criteria provided, single submitter. Criteria: Submitter's publication. Collection method: clinical testing. Allele origin: unknown. Affected: no.

Genome-Nilou Lab
Classification: Pathogenic for Wilson disease. Last evaluated: 2021-08-10. Review status: criteria provided, single submitter. Criteria: ACMG Guidelines, 2015. Collection method: clinical testing. Allele origin: germline. Affected: no.

Revvity Omics, Revvity
Classification: Pathogenic for Wilson disease. Last evaluated: 2019-03-10. Review status: criteria provided, single submitter. Criteria: ACMG Guidelines, 2015. Collection method: clinical testing. Allele origin: germline.

Women's Health and Genetics/Laboratory Corporation of America, LabCorp
Classification: Pathogenic for Wilson disease. Last evaluated: 2018-07-23. Review status: criteria provided, single submitter. Criteria: LabCorp Variant Classification Summary - May 2015. Collection method: clinical testing. Allele origin: germline.
Comment: Variant summary: ATP7B c.1708-1G>C is located in a canonical splice-site and is predicted to affect mRNA splicing resulting in a significantly altered protein due to either exon skipping, shortening, or inclusion of intronic material. Several computational tools predict a significant impact on normal splicing: Five predict the variant abolishes a 3' acceptor site. At least one publication reports experimental evidence that this variant determines exon 5 skipping (Tsai_1999). The variant allele was found at a frequency of 2.9e-05 in 277094 control chromosomes (gnomAD). The variant, c.1708-1G>C, has been reported in the literature in multiple individuals affected with Wilson Disease (Coffey_2013, Hua_2016, Mukherjee_2014, Tsai_1999). These data indicate that the variant is very likely to be associated with disease. No clinical diagnostic laboratories have submitted clinical-significance assessments for this variant to ClinVar after 2014. Based on the evidence outlined above, the variant was classified as pathogenic.

Juno Genomics, Hangzhou Juno Genomics, Inc
Classification: Pathogenic for Wilson disease. Review status: criteria provided, single submitter. Criteria: ACMG Guidelines, 2015. Collection method: clinical testing. Allele origin: germline.
Comment: Absent from controls (or at extremely low frequency if recessive) in Genome Aggregation Database.;Null variant in a gene where loss of function (LOF) is a known mechanism of disease.;For recessive disorders, detected in trans with a pathogenic variant.;Patient's phenotype or family history is highly specific for a disease with a single genetic etiology.

OMIM
Classification: Pathogenic for WILSON DISEASE. Last evaluated: 2000-11-01. Review status: no assertion criteria provided. Collection method: literature only. Allele origin: germline. Not counted in ClinVar's aggregate classification.

Clinical Genetics DNA and cytogenetics Diagnostics Lab, Erasmus MC, Erasmus Medical Center
Classification: Pathogenic. Review status: no assertion criteria provided. Collection method: clinical testing. Allele origin: germline. Affected: yes. Study: VKGL Data-share Consensus. Not counted in ClinVar's aggregate classification.

Genome Diagnostics Laboratory, Amsterdam University Medical Center
Classification: Pathogenic. Review status: no assertion criteria provided. Collection method: clinical testing. Allele origin: germline. Affected: yes. Study: VKGL Data-share Consensus. Not counted in ClinVar's aggregate classification.

Chongqing Key Laboratory of Child Rare Diseases in Infection and Immunity, Children’s Hospital of Chongqing Medical University
Classification: Uncertain significance for Wilson disease. Last evaluated: 2024-01-01. Review status: flagged submission. Criteria: ACMG Guidelines, 2015. Collection method: clinical testing. Allele origin: germline. Inheritance: Autosomal recessive inheritance. Affected: yes. Not counted in ClinVar's aggregate classification.
Comment: Classified as Uncertain significance according to the ACMG/AMP 2015 guidelines (PMID:25741868). The classification was based on the available submitted evidence for Wilson disease (OMIM:277900), including clinical-testing observations, variant consequence/protein annotation, and published or ClinVar evidence where available. Supporting information considered: variant annotation: Splicing; submitted notation: NM_000053.4:c.1708-1G>C; source variant type: Splicing; source domain: NA; allele count n=230: 4.
ClinVar note: Reason: Outlier claim with insufficient supporting evidence

Literature cited by the submitters: PubMed 24094725 (cited by 4 submitters); PubMed 16199547 (cited by Labcorp Genetics (formerly Invitae), Labcorp); PubMed 10441329 (cited by Labcorp Genetics (formerly Invitae), Labcorp); PubMed 16283883 (cited by Labcorp Genetics (formerly Invitae), Labcorp); PubMed 7626145 (cited by 3 submitters); PubMed 9829905 (cited by 4 submitters); PubMed 27398169 (cited by Labcorp Genetics (formerly Invitae), Labcorp and Women's Health and Genetics/Laboratory Corporation of America, LabCorp); PubMed 10502777 (cited by All of Us Research Program, National Institutes of Health); PubMed 11043508 (cited by All of Us Research Program, National Institutes of Health); PubMed 11060541 (cited by All of Us Research Program, National Institutes of Health and OMIM); PubMed 11405812 (cited by All of Us Research Program, National Institutes of Health); PubMed 16133174 (cited by All of Us Research Program, National Institutes of Health); PubMed 17823867 (cited by All of Us Research Program, National Institutes of Health); PubMed 18034201 (cited by All of Us Research Program, National Institutes of Health); PubMed 20417464 (cited by All of Us Research Program, National Institutes of Health); PubMed 20931554 (cited by All of Us Research Program, National Institutes of Health); PubMed 21034864 (cited by All of Us Research Program, National Institutes of Health); PubMed 23518715 (cited by All of Us Research Program, National Institutes of Health and Women's Health and Genetics/Laboratory Corporation of America, LabCorp); PubMed 23843956 (cited by All of Us Research Program, National Institutes of Health); PubMed 24146181 (cited by All of Us Research Program, National Institutes of Health); PubMed 25089800 (cited by All of Us Research Program, National Institutes of Health); PubMed 27022412 (cited by All of Us Research Program, National Institutes of Health); PubMed 27982432 (cited by All of Us Research Program, National Institutes of Health); PubMed 31172689 (cited by All of Us Research Program, National Institutes of Health); PubMed 32281751 (cited by All of Us Research Program, National Institutes of Health); PubMed 33640437 (cited by All of Us Research Program, National Institutes of Health); PubMed 34002136 (cited by All of Us Research Program, National Institutes of Health); PubMed 34324271 (cited by All of Us Research Program, National Institutes of Health); PubMed 35444691 (cited by All of Us Research Program, National Institutes of Health); PubMed 35782615 (cited by All of Us Research Program, National Institutes of Health).